The following is an entry in ClinVar:

NM_001379081.2(FREM1):c.4995C>T (p.Asp1665=)

Gene: FREM1 (FRAS1 related extracellular matrix 1; minus strand). Cytogenetic location: 9p22.3.
Variant type: single nucleotide variant.
Coding change: c.4995C>T on transcript NM_001379081.2 (MANE Select); coding-DNA position 4995, C replaced by T.
Protein change: p.Asp1665=; no amino-acid change (aspartic acid 1665 retained).
Molecular consequence: synonymous variant. On other transcripts: non-coding transcript variant (2).
Genome position (GRCh38, 1-based): chr9:14,770,669, G>A on the plus strand (C>T on the coding strand, the complement: FREM1 is on the minus strand). VCF-style: chr9-14770669-G-A. GRCh37 (hg19) VCF-style: chr9-14770667-G-A.
Other names: c.603C>T, p.Asp201= (NM_001177704.3, NM_001370058.2, NM_001370061.2); c.4995C>T, p.Asp1665= (NM_144966.7).
Identifiers: ClinVar variation 734739 (VCV000734739.16), dbSNP rs372941168, ClinGen allele CA4989940.
Genomic context (GRCh38, chr9:14,770,669, plus strand): 5'-TGTTGTGTTCTCCAGATGTCCATGTTTTGGGCCTTGTAGAATTTTAAAGATGATCTGATC[G>A]TCCTCAGTGTCAGGGTCTGATGCCTTCAACACGCGGGAAGTGATGTAAATCCCGTAGCAG-3'
Protein context (NP_001366010.1, residues 1655-1675): VLKASDPDTE[Asp1665=]DQIIFKILQG

ClinVar aggregate classification (germline): Likely benign. Review status: criteria provided, multiple submitters, no conflicts (2 of 4 stars). 5 submissions from 5 submitters: Likely benign (5). Last evaluated 2025-07-01.

Conditions:
Trigonocephaly 2 (TRIGNO2). Identifiers: Orphanet 3366, MedGen C3280974, MONDO:0013774, OMIM 614485.
Oculotrichoanal syndrome (MOTA). Also called: Manitoba Oculotrichoanal (MOTA) Syndrome; MARLES SYNDROME. Identifiers: Orphanet 2717, MedGen C1855425, MONDO:0009560, OMIM 248450.
BNAR syndrome. Also called: Bifid Nose With or Without Anorectal and Renal Anomalies (BNAR) Syndrome. Identifiers: Orphanet 217266, MedGen C2750433, MONDO:0012165, OMIM 608980.

Allele frequency attached by ClinVar (database versions not stated): gnomAD exomes 0.00006 and 0.00014; ExAC 0.00016; ESP Exome Variant Server 0.00016; gnomAD 0.00043 and 0.00049; TOPMed 0.00051.
gnomAD v4.1: 166 of 1,613,318 alleles (0.01%); highest among the groups gnomAD compares: African/African-American, 0.16%; 1 homozygote.

Submissions (5):

CeGaT Center for Human Genetics Tuebingen
Classification: Likely benign. Last evaluated: 2025-07-01. Review status: criteria provided, single submitter. Criteria: CeGaT Center For Human Genetics Tuebingen Variant Classification Criteria Version 2. Collection method: clinical testing. Allele origin: germline. Affected: yes. Observed: 1 variant allele.
Comment: FREM1: BP4, BP7

Labcorp Genetics (formerly Invitae), Labcorp
Classification: Likely benign. Last evaluated: 2025-06-12. Review status: criteria provided, single submitter. Criteria: Invitae Variant Classification Sherloc (09022015). Collection method: clinical testing. Allele origin: germline.

Blueprint Genetics
Classification: Likely benign. Last evaluated: 2024-11-01. Review status: criteria provided, single submitter. Criteria: ACMG Guidelines, 2015. Collection method: clinical testing. Allele origin: germline.

Fulgent Genetics
Classification: Likely benign for Oculotrichoanal syndrome; BNAR syndrome; Trigonocephaly 2. Last evaluated: 2021-08-09. Review status: criteria provided, single submitter. Criteria: ACMG Guidelines, 2015. Collection method: clinical testing. Allele origin: unknown.

Breakthrough Genomics
Classification: Likely benign. Review status: criteria provided, single submitter. Criteria: ACMG Guidelines, 2015. Collection method: not provided. Allele origin: germline. Inheritance: Autosomal recessive inheritance. Affected: yes.